The following is an entry in ClinVar:

ClinVar aggregate classification (germline): Uncertain significance. Review status: criteria provided, multiple submitters, no conflicts (2 of 4 stars). 3 submissions from 3 submitters: Uncertain significance (2). 1 of the submissions does not count toward it. Last evaluated 2024-08-02.

Conditions:
Usher syndrome type 1F (USH1F). Also called: USHER SYNDROME, TYPE IF. Identifiers: Orphanet 231169, Orphanet 886, MedGen C1865885, MONDO:0011186, OMIM 602083.
Inborn genetic diseases. Identifiers: MedGen C0950123, MeSH D030342.

Allele frequency attached by ClinVar (database versions not stated): gnomAD 0.00001; gnomAD exomes 0.00002 and 0.00004; ExAC 0.00003.
gnomAD v4.1: 34 of 1,612,558 alleles (0.0021%); highest among the groups gnomAD compares: East Asian, 0.018%; no homozygotes.

Submissions (3):

Ambry Genetics
Classification: Uncertain significance for Inborn genetic diseases. Last evaluated: 2024-08-02. Review status: criteria provided, single submitter. Criteria: Ambry Variant Classification Scheme 2023. Collection method: clinical testing. Allele origin: germline.

Labcorp Genetics (formerly Invitae), Labcorp
Classification: Uncertain significance. Last evaluated: 2022-09-07. Review status: criteria provided, single submitter. Criteria: Invitae Variant Classification Sherloc (09022015). Collection method: clinical testing. Allele origin: germline.
Comment: This sequence change replaces arginine, which is basic and polar, with cysteine, which is neutral and slightly polar, at codon 1034 of the PCDH15 protein (p.Arg1034Cys). This variant is present in population databases (rs780335938, gnomAD 0.02%). This variant has not been reported in the literature in individuals affected with PCDH15-related conditions. ClinVar contains an entry for this variant (Variation ID: 1013987). Algorithms developed to predict the effect of missense changes on protein structure and function are either unavailable or do not agree on the potential impact of this missense change (SIFT: "Deleterious"; PolyPhen-2: "Possibly Damaging"; Align-GVGD: "Class C0"). In summary, the available evidence is currently insufficient to determine the role of this variant in disease. Therefore, it has been classified as a Variant of Uncertain Significance.

Natera, Inc.
Classification: Uncertain significance for Usher syndrome type 1F. Last evaluated: 2020-02-06. Review status: no assertion criteria provided. Collection method: clinical testing. Allele origin: germline. Not counted in ClinVar's aggregate classification.

NM_001384140.1(PCDH15):c.3100C>T (p.Arg1034Cys)

Gene: PCDH15 (protocadherin related 15; minus strand). Cytogenetic location: 10q21.1.
Variant type: single nucleotide variant.
Coding change: c.3100C>T on transcript NM_001384140.1 (MANE Select); coding-DNA position 3100, C replaced by T.
Protein change: p.Arg1034Cys; replaces arginine 1034 with cysteine.
Molecular consequence: missense variant.
Genome position (GRCh38, 1-based): chr10:53,959,754, G>A on the plus strand (C>T on the coding strand, the complement: PCDH15 is on the minus strand). VCF-style: chr10-53959754-G-A. GRCh37 (hg19) VCF-style: chr10-55719514-G-A.
Other names: c.3100C>T, p.Arg1034Cys (NM_001142770.3, NM_001142772.2, NM_001354420.2 and 4 more transcripts); c.3115C>T, p.Arg1039Cys (NM_001142771.2, NM_001142763.2); c.3034C>T, p.Arg1012Cys (NM_001142773.2, NM_001354404.2, NM_001142768.2); c.3121C>T, p.Arg1041Cys (NM_001354411.2); c.2887C>T, p.Arg963Cys (NM_001142765.2); c.2989C>T, p.Arg997Cys (NM_001142767.2); c.3136C>T, p.Arg1046Cys (NM_001142769.4); c.3100C>T (NM_033056.3); short protein forms R1012C, R1034C, R1039C, R1041C, R1046C, R963C, R997C.
Identifiers: ClinVar variation 1013987 (VCV001013987.6), dbSNP rs780335938, ClinGen allele CA5505809.